The following is an entry in ClinVar:

ClinVar aggregate classification (germline): Uncertain significance. Review status: criteria provided, multiple submitters, no conflicts (2 of 4 stars). 2 submissions from 2 submitters: Uncertain significance (2). Last evaluated 2025-06-25.

Conditions:
Hereditary cancer-predisposing syndrome. Also called: Hereditary neoplastic syndrome; Neoplastic Syndromes, Hereditary; Tumor predisposition; Hereditary Cancer Syndrome. Identifiers: Orphanet 140162, MedGen C0027672, MeSH D009386, MONDO:0015356.
Ataxia-telangiectasia syndrome (AT). Also called: ATAXIA-TELANGIECTASIA, COMPLEMENTATION GROUP A; ATAXIA-TELANGIECTASIA, FRESNO VARIANT; Ataxia-telangiectasia, complementation group D; AT, COMPLEMENTATION GROUP C; Cerebello-oculocutaneous telangiectasia; Immunodeficiency with ataxia telangiectasia. Identifiers: Orphanet 100, MedGen C0004135, MONDO:0008840, OMIM 208900.

Submissions (2):

Ambry Genetics
Classification: Uncertain significance for Hereditary cancer-predisposing syndrome. Last evaluated: 2025-06-25. Review status: criteria provided, single submitter. Criteria: Ambry Variant Classification Scheme 2023. Collection method: clinical testing. Allele origin: germline.
Comment: The p.V1464D variant (also known as c.4391T>A), located in coding exon 28 of the ATM gene, results from a T to A substitution at nucleotide position 4391. The valine at codon 1464 is replaced by aspartic acid, an amino acid with highly dissimilar properties. This amino acid position is conserved. In addition, this alteration is predicted to be deleterious by in silico analysis. Based on the available evidence, the clinical significance of this variant remains unclear.

Labcorp Genetics (formerly Invitae), Labcorp
Classification: Uncertain significance for Ataxia-telangiectasia syndrome. Last evaluated: 2020-10-18. Review status: criteria provided, single submitter. Criteria: Invitae Variant Classification Sherloc (09022015). Collection method: clinical testing. Allele origin: germline.
Comment: This variant is not present in population databases (ExAC no frequency). In summary, the available evidence is currently insufficient to determine the role of this variant in disease. Therefore, it has been classified as a Variant of Uncertain Significance. Advanced modeling of protein sequence and biophysical properties (such as structural, functional, and spatial information, amino acid conservation, physicochemical variation, residue mobility, and thermodynamic stability) performed at Invitae indicates that this missense variant is not expected to disrupt ATM protein function. This variant has not been reported in the literature in individuals with ATM-related conditions. This sequence change replaces valine with aspartic acid at codon 1464 of the ATM protein (p.Val1464Asp). The valine residue is highly conserved and there is a large physicochemical difference between valine and aspartic acid.

NM_000051.4(ATM):c.4391T>A (p.Val1464Asp)

Gene: ATM (ATM serine/threonine kinase; plus strand). Cytogenetic location: 11q22.3.
Variant type: single nucleotide variant.
Coding change: c.4391T>A on transcript NM_000051.4 (MANE Select); coding-DNA position 4391, T replaced by A.
Protein change: p.Val1464Asp; replaces valine 1464 with aspartic acid.
Molecular consequence: missense variant.
Genome position (GRCh38, 1-based): chr11:108,289,756, T>A. VCF-style: chr11-108289756-T-A. GRCh37 (hg19) VCF-style: chr11-108160483-T-A.
Other names: c.4391T>A (NM_000051.3); c.4391T>A, p.Val1464Asp (NM_001351834.2); short protein forms V1464D.
Identifiers: ClinVar variation 1043340 (VCV001043340.9), dbSNP rs2082682300, ClinGen allele CA382532175.
Genomic context (GRCh38, chr11:108,289,756, plus strand): 5'-TGTTTGTTAGTTTATTACTGAAAGATATAAAAAGTGGCTTAGGAGGAGCTTGGGCCTTTG[T>A]TCTTCGAGACGTTATTTATACTTTGATTCACTATATCAACCAAAGGTAAATAACATATTT-3'
Protein context (NP_000042.3, residues 1454-1474): KSGLGGAWAF[Val1464Asp]LRDVIYTLIH